The following is an entry in ClinVar:

NM_016507.4(CDK12):c.3616A>G (p.Met1206Val)

Gene: CDK12 (cyclin dependent kinase 12; plus strand). Cytogenetic location: 17q12.
Variant type: single nucleotide variant.
Coding change: c.3616A>G on transcript NM_016507.4 (MANE Select); coding-DNA position 3616, A replaced by G.
Protein change: p.Met1206Val; replaces methionine 1206 with valine.
Molecular consequence: missense variant.
Genome position (GRCh38, 1-based): chr17:39,526,172, A>G. VCF-style: chr17-39526172-A-G. GRCh37 (hg19) VCF-style: chr17-37682425-A-G.
Other names: c.3616A>G, p.Met1206Val (NM_015083.4); short protein forms M1206V.
Identifiers: ClinVar variation 3141475 (VCV003141475.2), dbSNP rs747166860, ClinGen allele CA8531558.

ClinVar aggregate classification (germline): Uncertain significance (1 of 4 stars; one submission).

Allele frequency attached by ClinVar (database versions not stated): gnomAD exomes below 0.00001; TOPMed below 0.00001; ExAC 0.00001; gnomAD 0.00001.

Submission:

Ambry Genetics
Classification: Uncertain significance. Last evaluated: 2025-01-03. Review status: criteria provided, single submitter. Criteria: Ambry Variant Classification Scheme 2023. Collection method: clinical testing. Allele origin: germline.
Comment: The p.M1206V variant (also known as c.3616A>G), located in coding exon 13 of the CDK12 gene, results from an A to G substitution at nucleotide position 3616. The methionine at codon 1206 is replaced by valine, an amino acid with highly similar properties. This amino acid position is conserved. In addition, this alteration is predicted to be tolerated by in silico analysis. Based on the available evidence, the clinical significance of this variant remains unclear.